The following is an entry in ClinVar:

NM_001101426.4(CRPPA):c.334T>G (p.Tyr112Asp)

Gene: CRPPA (CDP-L-ribitol pyrophosphorylase A; minus strand). Cytogenetic location: 7p21.2.
Variant type: single nucleotide variant.
Coding change: c.334T>G on transcript NM_001101426.4 (MANE Select); coding-DNA position 334, T replaced by G.
Protein change: p.Tyr112Asp; replaces tyrosine 112 with aspartic acid.
Molecular consequence: missense variant. On other transcripts: non-coding transcript variant (1).
Genome position (GRCh38, 1-based): chr7:16,406,261, A>C on the plus strand (T>G on the coding strand, the complement: CRPPA is on the minus strand). VCF-style: chr7-16406261-A-C. GRCh37 (hg19) VCF-style: chr7-16445886-A-C.
Other names: c.334T>G, p.Tyr112Asp (NM_001101417.4, NM_001368197.1); short protein forms Y112D.
Identifiers: ClinVar variation 953578 (VCV000953578.8), dbSNP rs1281479457, ClinGen allele CA367002705.

ClinVar aggregate classification (germline): Uncertain significance (1 of 4 stars; one submission).

Conditions:
Muscular dystrophy-dystroglycanopathy (congenital with brain and eye anomalies), type A, 7. Also called: WALKER-WARBURG SYNDROME OR MUSCLE-EYE-BRAIN DISEASE, ISPD-RELATED; Congenital muscular dystrophy-dystroglycanopathy with brain and eye anomalies, type A7. Identifiers: Orphanet 899, MedGen C3553330, MONDO:0013835, OMIM 614643.
Autosomal recessive limb-girdle muscular dystrophy type 2U. Also called: Muscular dystrophy-dystroglycanopathy (limb-girdle), type c, 7; MUSCULAR DYSTROPHY, LIMB-GIRDLE, TYPE 2U. Identifiers: Orphanet 352479, MedGen C5190987, MONDO:0014474, OMIM 616052.

Allele frequency attached by ClinVar (database versions not stated): gnomAD exomes below 0.00001; TOPMed below 0.00001.
gnomAD v4.1: 1 of 1,613,888 alleles (0.000062%); highest among the groups gnomAD compares: Admixed American, 0.0017%; no homozygotes.

Submission:

Labcorp Genetics (formerly Invitae), Labcorp
Classification: Uncertain significance for Muscular dystrophy-dystroglycanopathy (congenital with brain and eye anomalies), type A, 7; Autosomal recessive limb-girdle muscular dystrophy type 2U. Last evaluated: 2024-04-20. Review status: criteria provided, single submitter. Criteria: Invitae Variant Classification Sherloc (09022015). Collection method: clinical testing. Allele origin: germline.
Comment: This sequence change replaces tyrosine, which is neutral and polar, with aspartic acid, which is acidic and polar, at codon 112 of the ISPD protein (p.Tyr112Asp). This variant is present in population databases (no rsID available, gnomAD 0.003%). This variant has not been reported in the literature in individuals affected with ISPD-related conditions. ClinVar contains an entry for this variant (Variation ID: 953578). Advanced modeling of protein sequence and biophysical properties (such as structural, functional, and spatial information, amino acid conservation, physicochemical variation, residue mobility, and thermodynamic stability) performed at Invitae indicates that this missense variant is not expected to disrupt ISPD protein function with a negative predictive value of 80%. In summary, the available evidence is currently insufficient to determine the role of this variant in disease. Therefore, it has been classified as a Variant of Uncertain Significance.